The following is an entry in ClinVar:

NM_014362.4(HIBCH):c.852del (p.Leu284fs)

Gene: HIBCH (3-hydroxyisobutyryl-CoA hydrolase; minus strand). Cytogenetic location: 2q32.2.
Variant type: Deletion.
Coding change: c.852del on transcript NM_014362.4 (MANE Select); coding-DNA position 852, one base deleted (A; older notation c.852delA).
Protein change: p.Leu284fs; shifts the reading frame from leucine 284.
Molecular consequence: frameshift variant.
Genome position (GRCh38, 1-based): chr2:190,244,926, T deleted on the plus strand (A on the coding strand, the reverse complement: HIBCH is on the minus strand). VCF-style (leftmost placement, unchanged base first): chr2-190244925-GT-G. GRCh37 (hg19) VCF-style: chr2-191109651-GT-G.
Other names: c.852delA (NM_014362.3); c.852del, p.Leu284fs (NM_198047.3); short protein forms L284fs.
Identifiers: ClinVar variation 430547 (VCV000430547.9), dbSNP rs1131692017, ClinGen allele CA645369163.

ClinVar aggregate classification (germline): Pathogenic/Likely pathogenic. Review status: criteria provided, multiple submitters, no conflicts (2 of 4 stars). 3 submissions from 3 submitters: Pathogenic (1); Likely pathogenic (1). 1 of the submissions does not count toward it. Last evaluated 2022-07-15.

Conditions:
3-hydroxyisobutyryl-CoA hydrolase deficiency. Also called: HIBCH DEFICIENCY; METHACRYLIC ACID TOXICITY; METHACRYLIC ACIDURIA; VALINE METABOLIC DEFECT; Reduced circulating 3-hydroxyisobutyryl-CoA hydrolase activity; Deficiency of 3-hydroxyisobutyryl CoA hydrolase. Identifiers: Orphanet 88639, MedGen C0342738, MONDO:0009603, OMIM 250620, HP:6000215.

Allele frequency attached by ClinVar (database versions not stated): gnomAD exomes 0.00002.

Submissions (3):

GeneDx
Classification: Pathogenic. Last evaluated: 2022-07-15. Review status: criteria provided, single submitter. Criteria: GeneDx Variant Classification Process June 2021. Collection method: clinical testing. Allele origin: germline. Affected: yes.
Comment: Frameshift variant predicted to result in protein truncation or nonsense mediated decay in a gene for which loss-of-function is a known mechanism of disease; Functional studies demonstrate markedly reduced 3-Hydroxy-isobutyry-CoA hydrolase activity in a patient with HIBCH deficiency.; Not observed at significant frequency in large population cohorts (gnomAD); This variant is associated with the following publications: (PMID: 31395954, 3202239, 32022391)

Laboratory for Molecular Medicine, Mass General Brigham Personalized Medicine
Classification: Likely pathogenic for 3-hydroxyisobutyryl-CoA hydrolase deficiency. Last evaluated: 2019-08-09. Review status: criteria provided, single submitter. Criteria: LMM Criteria. Collection method: clinical testing. Allele origin: germline. Inheritance: Autosomal recessive inheritance. Observed: 1 variant allele.
Comment: The p.Leu284PhefsX10 variant in HIBCH has not been reported in any other families with HIBCH deficiency and was absent from large population studies. This variant is predicted to cause a frameshift, which alters the proteinâ€™s amino acid sequence beginning at position 284 and leads to a premature termination codon 10 amino acids downstream. This alteration is then predicted to lead to a truncated or absent protein. Loss of function variants in the HIBCH gene have been reported in several individuals with HIBCH deficiency. In summary, although additional studies are required to fully establish its clinical significance, this variant meets criteria to be classified as likely pathogenic for autosomal recessive HIBCH deficiency. ACMG/AMP Criteria applied: PVS1, PM2.

OMIM
Classification: Pathogenic for 3-HYDROXYISOBUTYRYL-CoA HYDROLASE DEFICIENCY. Last evaluated: 2024-02-29. Review status: no assertion criteria provided. Collection method: literature only. Allele origin: germline. Not counted in ClinVar's aggregate classification.

Literature cited by the submitters: PubMed 32022391 (cited by OMIM).